The following is an entry in ClinVar:

ClinVar aggregate classification (germline): Uncertain significance (1 of 4 stars; one submission).

Conditions:
Sulfite oxidase deficiency due to molybdenum cofactor deficiency type C. Also called: Molybdenum cofactor deficiency, complementation group C; Molybdenum cofactor deficiency C. Identifiers: Orphanet 308400, Orphanet 833, MedGen C1854990, MONDO:0014212, OMIM 615501.

Submission:

Labcorp Genetics (formerly Invitae), Labcorp
Classification: Uncertain significance for Sulfite oxidase deficiency due to molybdenum cofactor deficiency type C. Last evaluated: 2025-09-05. Review status: criteria provided, single submitter. Criteria: Invitae Variant Classification Sherloc (09022015). Collection method: clinical testing. Allele origin: germline.
Comment: This sequence change replaces threonine, which is neutral and polar, with proline, which is neutral and non-polar, at codon 299 of the GPHN protein (p.Thr299Pro). This variant is not present in population databases (gnomAD no frequency). This variant has not been reported in the literature in individuals affected with GPHN-related conditions. Invitae Evidence Modeling of protein sequence and biophysical properties (such as structural, functional, and spatial information, amino acid conservation, physicochemical variation, residue mobility, and thermodynamic stability) indicates that this missense variant is not expected to disrupt GPHN protein function with a negative predictive value of 80%. In summary, the available evidence is currently insufficient to determine the role of this variant in disease. Therefore, it has been classified as a Variant of Uncertain Significance.

NM_020806.5(GPHN):c.895A>C (p.Thr299Pro)

Gene: GPHN (gephyrin; plus strand). Cytogenetic location: 14q23.3.
Variant type: single nucleotide variant.
Coding change: c.895A>C on transcript NM_020806.5 (MANE Select); coding-DNA position 895, A replaced by C.
Protein change: p.Thr299Pro; replaces threonine 299 with proline.
Molecular consequence: missense variant.
Genome position (GRCh38, 1-based): chr14:66,965,257, A>C. VCF-style: chr14-66965257-A-C. GRCh37 (hg19) VCF-style: chr14-67431974-A-C.
Other names: c.796A>C, p.Thr266Pro (NM_001024218.2, NM_001377515.1, NM_001377516.1 and 2 more transcripts); c.835A>C, p.Thr279Pro (NM_001377514.1, NM_001377519.1); short protein forms T266P, T299P, T279P.
Identifiers: ClinVar variation 4738893 (VCV004738893.1).